The following is an entry in ClinVar:

NM_001395413.1(POR):c.888C>T (p.Thr296=)

Genes: POR (cytochrome p450 oxidoreductase; plus strand), LOC126860075 (CDK7 strongly-dependent group 2 enhancer GRCh37_chr7:75612087-75613286; plus strand). Cytogenetic location: 7q11.23.
Variant type: single nucleotide variant.
Coding change: c.888C>T on transcript NM_001395413.1 (MANE Select); coding-DNA position 888, C replaced by T.
Protein change: p.Thr296=; no amino-acid change (threonine 296 retained).
Molecular consequence: synonymous variant.
Genome position (GRCh38, 1-based): chr7:75,983,586, C>T. VCF-style: chr7-75983586-C-T. GRCh37 (hg19) VCF-style: chr7-75612904-C-T.
Other names: c.888C>T, p.Thr296= (NM_001367562.3, NM_001382657.2, NM_001382658.3 and 2 more transcripts); c.942C>T, p.Thr314= (NM_001382655.3).
Identifiers: ClinVar variation 360706 (VCV000360706.25), dbSNP rs180683888, ClinGen allele CA4303885.
Genomic context (GRCh38, chr7:75,983,586, plus strand): 5'-TGATGCCAAGAATCCGTTCCTGGCTGCAGTCACCACCAACCGGAAGCTGAACCAGGGAAC[C>T]GAGCGCCACCTCATGCACCTGGAATTGGACATCTCGGACTCCAAAATCAGGTACCAGCTG-3'
Protein context (NP_001382342.1, residues 286-306): VTTNRKLNQG[Thr296=]ERHLMHLELD

ClinVar aggregate classification (germline): Conflicting classifications of pathogenicity. Review status: criteria provided, conflicting classifications (1 of 4 stars). 3 submissions from 3 submitters: Uncertain significance (1); Likely benign (2). Last evaluated 2025-11-28.

Conditions:
Congenital adrenal hyperplasia due to cytochrome P450 oxidoreductase deficiency. Also called: DISORDERED STEROIDOGENESIS DUE TO POR DEFICIENCY. Identifiers: Orphanet 95699, MedGen C1860042, MONDO:0013310, OMIM 613571.

Allele frequency attached by ClinVar (database versions not stated): TOPMed 0.00003; gnomAD 0.00005 and 0.00006; gnomAD exomes 0.00005 and 0.00009; ESP Exome Variant Server 0.00008; ExAC 0.00011; 1000 Genomes Project 30x 0.00047; 1000 Genomes Project 0.00060.
gnomAD v4.1: 75 of 1,613,132 alleles (0.0046%); highest among the groups gnomAD compares: Middle Eastern, 0.033%; no homozygotes.

Submissions (3):

Labcorp Genetics (formerly Invitae), Labcorp
Classification: Likely benign for Congenital adrenal hyperplasia due to cytochrome P450 oxidoreductase deficiency. Last evaluated: 2025-11-28. Review status: criteria provided, single submitter. Criteria: Invitae Variant Classification Sherloc (09022015). Collection method: clinical testing. Allele origin: germline.

CeGaT Center for Human Genetics Tuebingen
Classification: Likely benign. Last evaluated: 2024-10-01. Review status: criteria provided, single submitter. Criteria: CeGaT Center For Human Genetics Tuebingen Variant Classification Criteria Version 2. Collection method: clinical testing. Allele origin: germline. Affected: yes. Observed: 1 variant allele.
Comment: POR: BP4, BP7

Illumina Laboratory Services, Illumina
Classification: Uncertain significance for Congenital adrenal hyperplasia due to cytochrome P450 oxidoreductase deficiency. Last evaluated: 2018-01-13. Review status: criteria provided, single submitter. Criteria: ICSL Variant Classification Criteria 13 December 2019. Collection method: clinical testing. Allele origin: germline.